The following is an entry in ClinVar:

NM_032444.4(SLX4):c.4019A>G (p.His1340Arg)

Gene: SLX4 (SLX4 structure-specific endonuclease subunit; minus strand). Cytogenetic location: 16p13.3.
Variant type: single nucleotide variant.
Coding change: c.4019A>G on transcript NM_032444.4 (MANE Select); coding-DNA position 4019, A replaced by G.
Protein change: p.His1340Arg; replaces histidine 1340 with arginine.
Molecular consequence: missense variant.
Genome position (GRCh38, 1-based): chr16:3,589,619, T>C on the plus strand (A>G on the coding strand, the complement: SLX4 is on the minus strand). VCF-style: chr16-3589619-T-C. GRCh37 (hg19) VCF-style: chr16-3639620-T-C.
Other names: short protein forms H1340R.
Identifiers: ClinVar variation 862622 (VCV000862622.12), dbSNP rs776760390, ClinGen allele CA7865763.

ClinVar aggregate classification (germline): Uncertain significance. Review status: criteria provided, multiple submitters, no conflicts (2 of 4 stars). 3 submissions from 3 submitters: Uncertain significance (3). Last evaluated 2025-07-21.

Conditions:
Fanconi anemia (FA). Also called: Fanconi's anemia. Identifiers: Orphanet 84, MedGen C0015625, MeSH D005199, MONDO:0019391.
Inborn genetic diseases. Identifiers: MedGen C0950123, MeSH D030342.
Fanconi anemia complementation group P. Also called: SLX4-Related Fanconi Anemia. Identifiers: Orphanet 84, MedGen C3469542, MONDO:0013499, OMIM 613951.

Allele frequency attached by ClinVar (database versions not stated): gnomAD exomes below 0.00001 and 0.00003; gnomAD 0.00001; ExAC 0.00002; TOPMed 0.00002.
gnomAD v4.1: 6 of 1,613,784 alleles (0.00037%); highest among the groups gnomAD compares: East Asian, 0.011%; no homozygotes.

Submissions (3):

Labcorp Genetics (formerly Invitae), Labcorp
Classification: Uncertain significance for Fanconi anemia. Last evaluated: 2025-07-21. Review status: criteria provided, single submitter. Criteria: Invitae Variant Classification Sherloc (09022015). Collection method: clinical testing. Allele origin: germline.
Comment: This sequence change replaces histidine, which is basic and polar, with arginine, which is basic and polar, at codon 1340 of the SLX4 protein (p.His1340Arg). This variant is present in population databases (rs776760390, gnomAD 0.03%). This variant has not been reported in the literature in individuals affected with SLX4-related conditions. ClinVar contains an entry for this variant (Variation ID: 862622). An algorithm developed to predict the effect of missense changes on protein structure and function (PolyPhen-2) suggests that this variant is likely to be tolerated. In summary, the available evidence is currently insufficient to determine the role of this variant in disease. Therefore, it has been classified as a Variant of Uncertain Significance.

Ambry Genetics
Classification: Uncertain significance for Inborn genetic diseases. Last evaluated: 2023-08-04. Review status: criteria provided, single submitter. Criteria: Ambry Variant Classification Scheme 2023. Collection method: clinical testing. Allele origin: germline.

Fulgent Genetics
Classification: Uncertain significance for Fanconi anemia complementation group P. Last evaluated: 2021-10-22. Review status: criteria provided, single submitter. Criteria: ACMG Guidelines, 2015. Collection method: clinical testing. Allele origin: unknown.